The following is an entry in ClinVar:

NM_000135.4(FANCA):c.4219A>G (p.Ile1407Val)

Genes: FANCA (FA complementation group A; minus strand), ZNF276 (zinc finger protein 276; plus strand). Cytogenetic location: 16q24.3.
Variant type: single nucleotide variant.
Coding change: c.4219A>G on transcript NM_000135.4 (MANE Select); coding-DNA position 4219, A replaced by G.
Protein change: p.Ile1407Val; replaces isoleucine 1407 with valine.
Molecular consequence: missense variant. On other transcripts: 3 prime UTR variant (2), non-coding transcript variant (4).
Genome position (GRCh38, 1-based): chr16:89,738,923, T>C on the plus strand (A>G on the coding strand, the complement: FANCA is on the minus strand). VCF-style: chr16-89738923-T-C. GRCh37 (hg19) VCF-style: chr16-89805331-T-C.
Other names: c.4223A>G, p.Asn1408Ser (NM_001286167.3); c.*677T>C (NM_001113525.2, NM_152287.4); short protein forms I1407V, N1408S.
Identifiers: ClinVar variation 4254318 (VCV004254318.1).
Genomic context (GRCh38, chr16:89,738,923, plus strand): 5'-GTGGGCATCTTGACGTTACCTCTGCCACGTGTGAGAAGCTCTTTTTCGGGCACCGAGGTA[T>C]TAACTGCAGCAGAAAAAGACGAGCTTTTGTTATCAGTTCCACGGGGTTGCCCTAGAGAGA-3'
Protein context (NP_000126.2, residues 1397-1417): TKARLFLLQL[Ile1407Val]PRCPKKSFSH

ClinVar aggregate classification (germline): Uncertain significance (1 of 4 stars; one submission).

Conditions:
Inborn genetic diseases. Identifiers: MedGen C0950123, MeSH D030342.

gnomAD v4.1: 1 of 1,614,274 alleles (0.000062%); highest among the groups gnomAD compares: Non-Finnish European, 0.000085%; no homozygotes.

Submission:

Ambry Genetics
Classification: Uncertain significance for Inborn genetic diseases. Last evaluated: 2025-08-29. Review status: criteria provided, single submitter. Criteria: Ambry Variant Classification Scheme 2023. Collection method: clinical testing. Allele origin: germline.
Comment: The p.I1407V variant (also known as c.4219A>G), located in coding exon 42 of the FANCA gene, results from an A to G substitution at nucleotide position 4219. The isoleucine at codon 1407 is replaced by valine, an amino acid with highly similar properties. This amino acid position is conserved. In addition, the in silico prediction for this alteration is inconclusive. Based on the available evidence, the clinical significance of this variant remains unclear.